The following is an entry in ClinVar:

ClinVar aggregate classification (germline): Uncertain significance (1 of 4 stars; one submission).

gnomAD v4.1: 1 of 1,613,122 alleles (0.000062%); no homozygotes.

Submission:

Labcorp Genetics (formerly Invitae), Labcorp
Classification: Uncertain significance. Last evaluated: 2022-03-20. Review status: criteria provided, single submitter. Criteria: Invitae Variant Classification Sherloc (09022015). Collection method: clinical testing. Allele origin: germline.
Comment: This sequence change replaces glutamine, which is neutral and polar, with histidine, which is basic and polar, at codon 285 of the GPAA1 protein (p.Gln285His). This variant is not present in population databases (gnomAD no frequency). This variant has not been reported in the literature in individuals affected with GPAA1-related conditions. Algorithms developed to predict the effect of missense changes on protein structure and function output the following: SIFT: "Tolerated"; PolyPhen-2: "Benign"; Align-GVGD: "Class C0". The histidine amino acid residue is found in multiple mammalian species, which suggests that this missense change does not adversely affect protein function. Algorithms developed to predict the effect of sequence changes on RNA splicing suggest that this variant may disrupt the consensus splice site. In summary, the available evidence is currently insufficient to determine the role of this variant in disease. Therefore, it has been classified as a Variant of Uncertain Significance.

NM_003801.4(GPAA1):c.855G>C (p.Gln285His)

Gene: GPAA1 (glycosylphosphatidylinositol anchor attachment 1; plus strand). Cytogenetic location: 8q24.3.
Variant type: single nucleotide variant.
Coding change: c.855G>C on transcript NM_003801.4 (MANE Select); coding-DNA position 855, G replaced by C.
Protein change: p.Gln285His; replaces glutamine 285 with histidine.
Molecular consequence: missense variant.
Genome position (GRCh38, 1-based): chr8:144,084,454, G>C. VCF-style: chr8-144084454-G-C. GRCh37 (hg19) VCF-style: chr8-145139357-G-C.
Other names: short protein forms Q285H.
Identifiers: ClinVar variation 1940397 (VCV001940397.5), dbSNP rs2537316245, ClinGen allele CA372498019.